The following is an entry in ClinVar:

ClinVar aggregate classification (germline): Conflicting classifications of pathogenicity. Review status: criteria provided, conflicting classifications (1 of 4 stars). 2 submissions from 2 submitters: Uncertain significance (1); Likely benign (1). Last evaluated 2025-09-15.

Conditions:
Cardiovascular phenotype. Identifiers: MedGen CN230736.
Progressive familial heart block type IB (PFHB1B). Identifiers: Orphanet 871, MedGen C1970298, MONDO:0011474, OMIM 604559.

Allele frequency attached by ClinVar (database versions not stated): gnomAD 0.00001; TOPMed 0.00001.
gnomAD v4.1: 1 of 1,614,044 alleles (0.000062%); highest among the groups gnomAD compares: African/African-American, 0.0013%; no homozygotes.

Submissions (2):

Labcorp Genetics (formerly Invitae), Labcorp
Classification: Uncertain significance for Progressive familial heart block type IB. Last evaluated: 2025-09-15. Review status: criteria provided, single submitter. Criteria: Invitae Variant Classification Sherloc (09022015). Collection method: clinical testing. Allele origin: germline.
Comment: This sequence change replaces aspartic acid, which is acidic and polar, with glutamic acid, which is acidic and polar, at codon 605 of the TRPM4 protein (p.Asp605Glu). This variant is present in population databases (no rsID available, gnomAD 0.01%). This variant has not been reported in the literature in individuals affected with TRPM4-related conditions. ClinVar contains an entry for this variant (Variation ID: 1412816). An algorithm developed to predict the effect of missense changes on protein structure and function outputs the following: PolyPhen-2: "Benign". The glutamic acid amino acid residue is found in multiple mammalian species, which suggests that this missense change does not adversely affect protein function. In summary, the available evidence is currently insufficient to determine the role of this variant in disease. Therefore, it has been classified as a Variant of Uncertain Significance.

Ambry Genetics
Classification: Likely benign for Cardiovascular phenotype. Last evaluated: 2024-07-02. Review status: criteria provided, single submitter. Criteria: Ambry Variant Classification Scheme 2023. Collection method: clinical testing. Allele origin: germline.

NM_017636.4(TRPM4):c.1815C>A (p.Asp605Glu)

Gene: TRPM4 (transient receptor potential cation channel subfamily M member 4; plus strand). Cytogenetic location: 19q13.33.
Variant type: single nucleotide variant.
Coding change: c.1815C>A on transcript NM_017636.4 (MANE Select); coding-DNA position 1815, C replaced by A.
Protein change: p.Asp605Glu; replaces aspartic acid 605 with glutamic acid.
Molecular consequence: missense variant.
Genome position (GRCh38, 1-based): chr19:49,188,712, C>A. VCF-style: chr19-49188712-C-A. GRCh37 (hg19) VCF-style: chr19-49691969-C-A.
Other names: c.1815C>A (NM_017636.3); c.1815C>A, p.Asp605Glu (NM_001195227.2); c.1470C>A, p.Asp490Glu (NM_001321281.2); c.207C>A, p.Asp69Glu (NM_001321282.2); c.1293C>A, p.Asp431Glu (NM_001321283.2); c.753C>A, p.Asp251Glu (NM_001321285.2); short protein forms D605E, D251E, D69E, D431E, D490E.
Identifiers: ClinVar variation 1412816 (VCV001412816.9), dbSNP rs1344126455, ClinGen allele CA406803032.
Genomic context (GRCh38, chr19:49,188,712, plus strand): 5'-AGTTTCCTCAGCTCTTGGGGCCTGTTTGCTGCTCCGGGTGATGGCACGCCTGGAGCCTGA[C>A]GCTGAGGAGGCAGCACGGAGGAAAGACCTGGCGTTCAAGTTTGAGGGGATGGGCGTTGGT-3'
Protein context (NP_060106.2, residues 595-615): LLRVMARLEP[Asp605Glu]AEEAARRKDL